The following is an entry in ClinVar:

NM_007194.4(CHEK2):c.1032A>G (p.Ile344Met)

Gene: CHEK2 (checkpoint kinase 2; minus strand). Cytogenetic location: 22q12.1.
Variant type: single nucleotide variant.
Coding change: c.1032A>G on transcript NM_007194.4 (MANE Select); coding-DNA position 1032, A replaced by G.
Protein change: p.Ile344Met; replaces isoleucine 344 with methionine.
Molecular consequence: missense variant. On other transcripts: intron variant (3).
Genome position (GRCh38, 1-based): chr22:28,696,964, T>C on the plus strand (A>G on the coding strand, the complement: CHEK2 is on the minus strand). VCF-style: chr22-28696964-T-C. GRCh37 (hg19) VCF-style: chr22-29092952-T-C.
Other names: c.1161A>G, p.Ile387Met (NM_001005735.3); c.369A>G, p.Ile123Met (NM_001257387.3, NM_001437942.1); c.831A>G, p.Ile277Met (NM_001349956.3); c.1125A>G, p.Ile375Met (NM_001438293.1); c.1009-1091A>G (NM_145862.3); c.1102-1091A>G (NM_001438295.1); c.1138-1091A>G (NM_001438294.1); short protein forms I344M, I123M, I277M, I387M, I375M.
Identifiers: ClinVar variation 232564 (VCV000232564.27), dbSNP rs202051128, ClinGen allele CA10167741.
Genomic context (GRCh38, chr22:28,696,964, plus strand): 5'-TATAAGACAGTCCTCTTCTTGAGATGACAGTAAAACATTCTCTGGCTTTAAGTCACGGTG[T>C]ATAATACCGTTTTCATGAAGGTACTACACAGAAAGGCAGGCATGACCCTCAGATTCATGC-3'
Protein context (NP_009125.1, residues 334-354): AVQYLHENGI[Ile344Met]HRDLKPENVL

ClinVar aggregate classification (germline): Uncertain significance. Review status: criteria provided, multiple submitters, no conflicts (2 of 4 stars). 7 submissions from 7 submitters: Uncertain significance (7). Last evaluated 2026-01-06.

Conditions:
Familial cancer of breast. Also called: BREAST CANCER, FAMILIAL; hereditary breast carcinoma; Hereditary breast cancer. Identifiers: Orphanet 227535, MedGen C0346153, MONDO:0016419, OMIM 114480. Disease mechanism: loss of function.
Hereditary cancer-predisposing syndrome. Also called: Neoplastic Syndromes, Hereditary; Tumor predisposition; Hereditary Cancer Syndrome; Hereditary neoplastic syndrome. Identifiers: Orphanet 140162, MedGen C0027672, MeSH D009386, MONDO:0015356.

Allele frequency attached by ClinVar (database versions not stated): gnomAD 0.00001; gnomAD exomes 0.00001 and 0.00003; TOPMed 0.00002; ExAC 0.00003; 1000 Genomes Project 30x 0.00016; 1000 Genomes Project 0.00020.
gnomAD v4.1: 11 of 1,612,690 alleles (0.00068%); highest among the groups gnomAD compares: East Asian, 0.018%; no homozygotes.

Submissions (7):

Labcorp Genetics (formerly Invitae), Labcorp
Classification: Uncertain significance for Familial cancer of breast. Last evaluated: 2026-01-06. Review status: criteria provided, single submitter. Criteria: Invitae Variant Classification Sherloc (09022015). Collection method: clinical testing. Allele origin: germline.
Comment: This sequence change replaces isoleucine, which is neutral and non-polar, with methionine, which is neutral and non-polar, at codon 344 of the CHEK2 protein (p.Ile344Met). This variant is present in population databases (rs202051128, gnomAD 0.04%). This missense change has been observed in individual(s) with breast, thyroid, and prostate cancer (PMID: 30287823, 30826992, 31248605). ClinVar contains an entry for this variant (Variation ID: 232564). An algorithm developed to predict the effect of missense changes on protein structure and function (PolyPhen-2) suggests that this variant is likely to be disruptive. In summary, the available evidence is currently insufficient to determine the role of this variant in disease. Therefore, it has been classified as a Variant of Uncertain Significance.

Color Diagnostics, LLC DBA Color Health
Classification: Uncertain significance for Hereditary cancer-predisposing syndrome. Last evaluated: 2025-08-08. Review status: criteria provided, single submitter. Criteria: ACMG Guidelines, 2015. Collection method: clinical testing. Allele origin: germline.
Comment: This missense variant replaces isoleucine with methionine at codon 344 of the CHEK2 protein. Computational prediction suggests that this variant may not impact protein structure and function. To our knowledge, functional studies have not been reported for this variant. This variant has been reported in individuals affected with breast cancer as well as in unaffected individuals (PMID: 30287823, 33471991). This variant has been identified in 9/282612 chromosomes in the general population by the Genome Aggregation Database (gnomAD). The available evidence is insufficient to determine the role of this variant in disease conclusively. Therefore, this variant is classified as a Variant of Uncertain Significance.

Ambry Genetics
Classification: Uncertain significance for Hereditary cancer-predisposing syndrome. Last evaluated: 2025-06-27. Review status: criteria provided, single submitter. Criteria: Ambry Variant Classification Scheme 2023. Collection method: clinical testing. Allele origin: germline.
Comment: The p.I344M variant (also known as c.1032A>G), located in coding exon 9 of the CHEK2 gene, results from an A to G substitution at nucleotide position 1032. The isoleucine at codon 344 is replaced by methionine, an amino acid with highly similar properties. This variant has been reported with a carrier frequency of 0.00057 in 7,051 unselected breast cancer patients and 0.00036 in 11,241 female controls of Japanese ancestry (Momozawa Y et al. Nat Commun, 2018 10;9:4083). In another study, this variant was reported in 0/60,466 breast cancer cases and in 2/53,461 controls (Dorling et al. N Engl J Med. 2021 02;384:428-439). This variant has also been reported in 1/416 papillary thyroid carcinoma patients and 0/100 healthy controls (Shen CT et al. Endocrine, 2019 06;64:622-631). This amino acid position is highly conserved in available vertebrate species. In addition, the in silico prediction for this alteration is inconclusive. Since supporting evidence is limited at this time, the clinical significance of this alteration remains unclear.

Women's Health and Genetics/Laboratory Corporation of America, LabCorp
Classification: Uncertain significance. Last evaluated: 2025-02-17. Review status: criteria provided, single submitter. Criteria: LabCorp Variant Classification Summary - May 2015. Collection method: clinical testing. Allele origin: germline.
Comment: Variant summary: CHEK2 c.1032A>G (p.Ile344Met) results in a conservative amino acid change located in the protein kinase domain (IPR0007190) of the encoded protein sequence. Three of five in-silico tools predict a benign effect of the variant on protein function. The variant allele was found at a frequency of 3.2e-05 in 251208 control chromosomes (gnomAD). The available data on variant occurrences in the general population are insufficient to allow any conclusion about variant significance. c.1032A>G has been reported in the literature in individuals affected with breast and prostate cancers (example: Momozawa_2018, Shen_2019, Wei_2019). These report(s) do not provide unequivocal conclusions about association of the variant with Hereditary Breast and Ovarian Cancer Syndrome. To our knowledge, no experimental evidence demonstrating an impact on protein function has been reported. The following publications have been ascertained in the context of this evaluation (PMID: 30287823, 30826992, 31248605). ClinVar contains an entry for this variant (Variation ID: 232564). Based on the evidence outlined above, the variant was classified as uncertain significance.

GeneDx
Classification: Uncertain significance. Last evaluated: 2024-01-04. Review status: criteria provided, single submitter. Criteria: GeneDx Variant Classification Process June 2021. Collection method: clinical testing. Allele origin: germline. Affected: yes.
Comment: Not observed at significant frequency in large population cohorts (gnomAD); In silico analysis supports that this missense variant does not alter protein structure/function; This variant is associated with the following publications: (PMID: 22419737, 19782031, 30826992, 33471991, 36243179, 30287823)

Baylor Genetics
Classification: Uncertain significance for Familial cancer of breast. Last evaluated: 2023-12-11. Review status: criteria provided, single submitter. Criteria: ACMG Guidelines, 2015. Collection method: clinical testing. Allele origin: unknown.

Quest Diagnostics Nichols Institute San Juan Capistrano
Classification: Uncertain significance. Last evaluated: 2022-12-08. Review status: criteria provided, single submitter. Criteria: Quest Diagnostics criteria. Collection method: clinical testing. Allele origin: unknown.
Comment: The frequency of this variant in the general population, 0.00035 (7/19946 chromosomes), is uninformative in assessment of its pathogenicity. In the published literature, the variant has been reported in individuals with breast cancer as well as in several healthy controls (PMID: 30287823 (2018)). Analysis of this variant using bioinformatics tools for the prediction of the effect of amino acid changes on protein structure and function yielded conflicting predictions that this variant is benign or damaging. Based on the available information, we are unable to determine the clinical significance of this variant.

Literature cited by the submitters: PubMed 30287823 (cited by 5 submitters); PubMed 30826992 (cited by 3 submitters); PubMed 31248605 (cited by Labcorp Genetics (formerly Invitae), Labcorp and Women's Health and Genetics/Laboratory Corporation of America, LabCorp); PubMed 33471991 (cited by Color Diagnostics, LLC DBA Color Health and Ambry Genetics).